The following is an entry in ClinVar:

NM_005428.4(VAV1):c.415G>A (p.Glu139Lys)

Gene: VAV1 (vav guanine nucleotide exchange factor 1; plus strand). Cytogenetic location: 19p13.3.
Variant type: single nucleotide variant.
Coding change: c.415G>A on transcript NM_005428.4 (MANE Select); coding-DNA position 415, G replaced by A.
Protein change: p.Glu139Lys; replaces glutamic acid 139 with lysine.
Molecular consequence: missense variant.
Genome position (GRCh38, 1-based): chr19:6,821,825, G>A. VCF-style: chr19-6821825-G-A. GRCh37 (hg19) VCF-style: chr19-6821836-G-A.
Other names: c.415G>A, p.Glu139Lys (NM_001258206.2, NM_001258207.2); short protein forms E139K.
Identifiers: ClinVar variation 2844968 (VCV002844968.3), dbSNP rs2512357818, ClinGen allele CA403615165.

ClinVar aggregate classification (germline): Uncertain significance (1 of 4 stars; one submission).

Allele frequency attached by ClinVar (database versions not stated): gnomAD exomes below 0.00001.
gnomAD v4.1: 2 of 1,614,204 alleles (0.00012%); highest among the groups gnomAD compares: Non-Finnish European, 0.000085%; no homozygotes.

Submission:

Labcorp Genetics (formerly Invitae), Labcorp
Classification: Uncertain significance. Last evaluated: 2023-04-17. Review status: criteria provided, single submitter. Criteria: Invitae Variant Classification Sherloc (09022015). Collection method: clinical testing. Allele origin: germline.
Comment: In summary, the available evidence is currently insufficient to determine the role of this variant in disease. Therefore, it has been classified as a Variant of Uncertain Significance. An algorithm developed to predict the effect of missense changes on protein structure and function (PolyPhen-2) suggests that this variant is likely to be tolerated. This variant has not been reported in the literature in individuals affected with VAV1-related conditions. This variant is not present in population databases (gnomAD no frequency). This sequence change replaces glutamic acid, which is acidic and polar, with lysine, which is basic and polar, at codon 139 of the VAV1 protein (p.Glu139Lys).